The following is an entry in ClinVar:

ClinVar aggregate classification (germline): Uncertain significance (1 of 4 stars; one submission).

Allele frequency attached by ClinVar (database versions not stated): gnomAD exomes below 0.00001; ExAC 0.00002.

Submission:

Labcorp Genetics (formerly Invitae), Labcorp
Classification: Uncertain significance. Last evaluated: 2022-11-02. Review status: criteria provided, single submitter. Criteria: Invitae Variant Classification Sherloc (09022015). Collection method: clinical testing. Allele origin: germline.
Comment: In summary, the available evidence is currently insufficient to determine the role of this variant in disease. Therefore, it has been classified as a Variant of Uncertain Significance. Advanced modeling of protein sequence and biophysical properties (such as structural, functional, and spatial information, amino acid conservation, physicochemical variation, residue mobility, and thermodynamic stability) performed at Invitae indicates that this missense variant is not expected to disrupt TFAM protein function. This variant has not been reported in the literature in individuals affected with TFAM-related conditions. This variant is present in population databases (rs775241728, gnomAD 0.006%). This sequence change replaces isoleucine, which is neutral and non-polar, with valine, which is neutral and non-polar, at codon 126 of the TFAM protein (p.Ile126Val).

NM_003201.3(TFAM):c.376A>G (p.Ile126Val)

Gene: TFAM (transcription factor A, mitochondrial; plus strand). Cytogenetic location: 10q21.1.
Variant type: single nucleotide variant.
Coding change: c.376A>G on transcript NM_003201.3 (MANE Select); coding-DNA position 376, A replaced by G.
Protein change: p.Ile126Val; replaces isoleucine 126 with valine.
Molecular consequence: missense variant. On other transcripts: non-coding transcript variant (1).
Genome position (GRCh38, 1-based): chr10:58,388,754, A>G. VCF-style: chr10-58388754-A-G. GRCh37 (hg19) VCF-style: chr10-60148514-A-G.
Other names: c.376A>G, p.Ile126Val (NM_001270782.2); short protein forms I126V.
Identifiers: ClinVar variation 2811529 (VCV002811529.3), dbSNP rs775241728, ClinGen allele CA5507952.